The following is an entry in ClinVar:

ClinVar aggregate classification (germline): Uncertain significance (1 of 4 stars; one submission).

Allele frequency attached by ClinVar (database versions not stated): gnomAD 0.00003.
gnomAD v4.1: 60 of 1,551,814 alleles (0.0039%); highest among the groups gnomAD compares: Non-Finnish European, 0.0051%; no homozygotes.

Submission:

Labcorp Genetics (formerly Invitae), Labcorp
Classification: Uncertain significance. Last evaluated: 2025-08-21. Review status: criteria provided, single submitter. Criteria: Invitae Variant Classification Sherloc (09022015). Collection method: clinical testing. Allele origin: germline.
Comment: This sequence change replaces threonine, which is neutral and polar, with proline, which is neutral and non-polar, at codon 2340 of the UNC80 protein (p.Thr2340Pro). The frequency data for this variant in the population databases is considered unreliable, as metrics indicate poor data quality at this position in the gnomAD database. This variant has not been reported in the literature in individuals affected with UNC80-related conditions. ClinVar contains an entry for this variant (Variation ID: 1393347). Invitae Evidence Modeling of protein sequence and biophysical properties (such as structural, functional, and spatial information, amino acid conservation, physicochemical variation, residue mobility, and thermodynamic stability) indicates that this missense variant is not expected to disrupt UNC80 protein function with a negative predictive value of 80%. In summary, the available evidence is currently insufficient to determine the role of this variant in disease. Therefore, it has been classified as a Variant of Uncertain Significance.

NM_001371986.1(UNC80):c.7216A>C (p.Thr2406Pro)

Gene: UNC80 (unc-80 subunit of NALCN channel complex; plus strand). Cytogenetic location: 2q34.
Variant type: single nucleotide variant.
Coding change: c.7216A>C on transcript NM_001371986.1 (MANE Select); coding-DNA position 7216, A replaced by C.
Protein change: p.Thr2406Pro; replaces threonine 2406 with proline.
Molecular consequence: missense variant.
Genome position (GRCh38, 1-based): chr2:209,945,873, A>C. VCF-style: chr2-209945873-A-C. GRCh37 (hg19) VCF-style: chr2-210810597-A-C.
Other names: c.7018A>C, p.Thr2340Pro (NM_032504.2); c.7003A>C, p.Thr2335Pro (NM_182587.4); short protein forms T2406P, T2335P, T2340P.
Identifiers: ClinVar variation 1393347 (VCV001393347.5), dbSNP rs1429515336, ClinGen allele CA350774239.